The following is an entry in ClinVar:

ClinVar aggregate classification (germline): Uncertain significance (1 of 4 stars; one submission).

Submission:

GeneDx
Classification: Uncertain significance. Last evaluated: 2019-07-01. Review status: criteria provided, single submitter. Criteria: GeneDx Variant Classification Process June 2021. Collection method: clinical testing. Allele origin: germline. Affected: yes.
Comment: Not observed in large population cohorts (Lek et al., 2016); In silico analysis, which includes protein predictors and evolutionary conservation, supports a deleterious effect; Has not been previously published as pathogenic or benign to our knowledge

NM_014491.4(FOXP2):c.1693_1694delinsAG (p.Val565Arg)

Gene: FOXP2 (forkhead box P2; plus strand). Cytogenetic location: 7q31.1.
Variant type: Indel.
Coding change: c.1693_1694delinsAG on transcript NM_014491.4 (MANE Select); coding-DNA positions 1693 to 1694, GT replaced by AG.
Protein change: p.Val565Arg; replaces valine 565 with arginine.
Molecular consequence: missense variant. On other transcripts: non-coding transcript variant (2).
Genome position (GRCh38, 1-based): chr7:114,662,110-114,662,111, GT replaced by AG. VCF-style: chr7-114662110-GT-AG. GRCh37 (hg19) VCF-style: chr7-114302165-GT-AG.
Other names: c.1690_1691delinsAG, p.Val564Arg (NM_001172766.3); c.1768_1769delinsAG, p.Val590Arg (NM_148898.4); c.1744_1745delinsAG, p.Val582Arg (NM_148900.4); short protein forms V564R, V565R, V582R, V590R.
Identifiers: ClinVar variation 1306946 (VCV001306946.2), dbSNP rs2129341958, ClinGen allele CA2573052797.